The following is an entry in ClinVar:

ClinVar aggregate classification (germline): Uncertain significance. Review status: criteria provided, multiple submitters, no conflicts (2 of 4 stars). 3 submissions from 3 submitters: Uncertain significance (3). Last evaluated 2026-05-29.

Conditions:
MAGEL2-related disorder. Also called: MAGEL2-related condition.
Schaaf-Yang syndrome (SHFYNG). Also called: Arthrogryposis, distal, with hypopituitarism, intellectual disability, and facial anomalies; MAGEL2-related Prader-Willi-like syndrome. Identifiers: Orphanet 398069, MedGen C5575066, MONDO:0014243, OMIM 615547.

Allele frequency attached by ClinVar (database versions not stated): gnomAD 0.00001; TOPMed 0.00002.

Submissions (3):

PreventionGenetics, part of Exact Sciences
Classification: Uncertain significance for MAGEL2-related condition. Last evaluated: 2026-05-29. Review status: criteria provided, single submitter. Criteria: ACMG Guidelines, 2015. Collection method: clinical testing. Allele origin: germline.
Comment: The MAGEL2 c.1784C>T variant is predicted to result in the amino acid substitution p.Pro595Leu. To our knowledge, this variant has not been reported in the literature or in a large population database, indicating this variant is rare. At this time, the clinical significance of this variant is uncertain due to the absence of conclusive functional and genetic evidence.

Labcorp Genetics (formerly Invitae), Labcorp
Classification: Uncertain significance. Last evaluated: 2025-07-29. Review status: criteria provided, single submitter. Criteria: Invitae Variant Classification Sherloc (09022015). Collection method: clinical testing. Allele origin: germline.
Comment: This sequence change replaces proline, which is neutral and non-polar, with leucine, which is neutral and non-polar, at codon 595 of the MAGEL2 protein (p.Pro595Leu). This variant is not present in population databases (gnomAD no frequency). This variant has not been reported in the literature in individuals affected with MAGEL2-related conditions. ClinVar contains an entry for this variant (Variation ID: 1963170). Invitae Evidence Modeling of protein sequence and biophysical properties (such as structural, functional, and spatial information, amino acid conservation, physicochemical variation, residue mobility, and thermodynamic stability) indicates that this missense variant is not expected to disrupt MAGEL2 protein function with a negative predictive value of 80%. In summary, the available evidence is currently insufficient to determine the role of this variant in disease. Therefore, it has been classified as a Variant of Uncertain Significance.

Revvity Omics, Revvity
Classification: Uncertain significance for Schaaf-Yang syndrome. Last evaluated: 2023-11-19. Review status: criteria provided, single submitter. Criteria: ACMG Guidelines, 2015. Collection method: clinical testing. Allele origin: germline.

NM_019066.5(MAGEL2):c.1784C>T (p.Pro595Leu)

Gene: MAGEL2 (MAGE family member L2; minus strand). Cytogenetic location: 15q11.2.
Variant type: single nucleotide variant.
Coding change: c.1784C>T on transcript NM_019066.5 (MANE Select); coding-DNA position 1784, C replaced by T.
Protein change: p.Pro595Leu; replaces proline 595 with leucine.
Molecular consequence: missense variant.
Genome position (GRCh38, 1-based): chr15:23,645,959, G>A on the plus strand (C>T on the coding strand, the complement: MAGEL2 is on the minus strand). VCF-style: chr15-23645959-G-A. GRCh37 (hg19) VCF-style: chr15-23891106-G-A.
Other names: c.1784C>T (NM_019066.4); short protein forms P595L.
Identifiers: ClinVar variation 1963170 (VCV001963170.9), dbSNP rs1256362315, ClinGen allele CA391333334.
Genomic context (GRCh38, chr15:23,645,959, plus strand): 5'-AGCGCCTGTGTCTGCTGCACCTCCTGGAATTCCATTGACGTTGGAATCTCGTGTGGCACC[G>A]GGGGCTGACCTTTGGGGGCCTGCCAGATGATGGAAGGGCAGTGCACAGCCTGCGGGGCAG-3'
Protein context (NP_061939.3, residues 585-605): IIWQAPKGQP[Pro595Leu]VPHEIPTSME